The following is an entry in ClinVar:

ClinVar aggregate classification (germline): Uncertain significance (1 of 4 stars; one submission).

gnomAD v4.1: 1 of 1,614,230 alleles (0.000062%); highest among the groups gnomAD compares: Non-Finnish European, 0.000085%; no homozygotes.

Submission:

GeneDx
Classification: Uncertain significance. Last evaluated: 2019-05-15. Review status: criteria provided, single submitter. Criteria: GeneDx Variant Classification Process June 2021. Collection method: clinical testing. Allele origin: germline. Affected: yes.
Comment: Not observed in large population cohorts (Lek et al., 2016); In silico analysis, which includes protein predictors and evolutionary conservation, supports a deleterious effect; Has not been previously published as pathogenic or benign to our knowledge

NM_152296.5(ATP1A3):c.1123C>T (p.Arg375Cys)

Gene: ATP1A3 (ATPase Na+/K+ transporting subunit alpha 3; minus strand). Cytogenetic location: 19q13.2.
Variant type: single nucleotide variant.
Coding change: c.1123C>T on transcript NM_152296.5 (MANE Select); coding-DNA position 1123, C replaced by T.
Protein change: p.Arg375Cys; replaces arginine 375 with cysteine.
Molecular consequence: missense variant.
Genome position (GRCh38, 1-based): chr19:41,981,977, G>A on the plus strand (C>T on the coding strand, the complement: ATP1A3 is on the minus strand). VCF-style: chr19-41981977-G-A. GRCh37 (hg19) VCF-style: chr19-42486129-G-A.
Other names: c.1156C>T, p.Arg386Cys (NM_001256213.2); c.1162C>T, p.Arg388Cys (NM_001256214.2); short protein forms R375C, R388C, R386C.
Identifiers: ClinVar variation 392890 (VCV000392890.3), dbSNP rs1057524683, ClinGen allele CA16609004.